The following is an entry in ClinVar:

NM_014236.4(GNPAT):c.1280-3T>G

Gene: GNPAT (glyceronephosphate O-acyltransferase; plus strand). Cytogenetic location: 1q42.2.
Variant type: single nucleotide variant.
Coding change: c.1280-3T>G on transcript NM_014236.4 (MANE Select); 3 bases into the intron before coding-DNA position 1280, T replaced by G.
Molecular consequence: intron variant.
Genome position (GRCh38, 1-based): chr1:231,270,755, T>G. VCF-style: chr1-231270755-T-G. GRCh37 (hg19) VCF-style: chr1-231406501-T-G.
Other names: IVS9AS, T-G, -3; c.1097-3T>G (NM_001316350.2).
Identifiers: ClinVar variation 35466 (VCV000035466.4), dbSNP rs1571955307, ClinGen allele CA423903281.

ClinVar aggregate classification (germline): Likely pathogenic. Review status: criteria provided, single submitter (1 of 4 stars). 2 submissions from 2 submitters: Likely pathogenic (1). 1 of the submissions does not count toward it. Last evaluated 2024-01-03.

Conditions:
Rhizomelic chondrodysplasia punctata type 2 (RCDP2). Also called: DIHYDROXYACETONEPHOSPHATE ACYLTRANSFERASE DEFICIENCY; Chondrodysplasia punctata, rhizomelic, due to dihydroxyacetonephosphate acyltransferase deficiency; Glyceronephosphate O-acyltransferase deficiency; PEROXISOMAL DIHYDROXYACETONEPHOSPHATE ACYLTRANSFERASE DEFICIENCY; DHAPAT DEFICIENCY; glyceronephosphate O-acyltransferase (GNPAT) deficiency. Identifiers: Orphanet 177, Orphanet 309796, MedGen C1857242, MONDO:0100273, OMIM 222765. Disease mechanism: loss of function.

Allele frequency attached by ClinVar (database versions not stated): gnomAD exomes 0.00001.
gnomAD v4.1: 3 of 1,614,104 alleles (0.00019%); highest among the groups gnomAD compares: Non-Finnish European, 0.00025%; no homozygotes.

Submissions (2):

Labcorp Genetics (formerly Invitae), Labcorp
Classification: Likely pathogenic. Last evaluated: 2024-01-03. Review status: criteria provided, single submitter. Criteria: Invitae Variant Classification Sherloc (09022015). Collection method: clinical testing. Allele origin: germline.
Comment: This sequence change falls in intron 9 of the GNPAT gene. It does not directly change the encoded amino acid sequence of the GNPAT protein. It affects a nucleotide within the consensus splice site. This variant is not present in population databases (gnomAD no frequency). This variant has been observed in individual(s) with clinical features of rhizomelic chondrodysplasia punctata (PMID: 11152660, 21990100). In at least one individual the data is consistent with being in trans (on the opposite chromosome) from a pathogenic variant. This variant is also known as IVS9(–3T→G). ClinVar contains an entry for this variant (Variation ID: 35466). Studies have shown that this variant alters GNPAT gene expression (PMID: 21990100). Variants that disrupt the consensus splice site are a relatively common cause of aberrant splicing (PMID: 17576681, 9536098). Algorithms developed to predict the effect of sequence changes on RNA splicing suggest that this variant may disrupt the consensus splice site. In summary, the currently available evidence indicates that the variant is pathogenic, but additional data are needed to prove that conclusively. Therefore, this variant has been classified as Likely Pathogenic.

OMIM
Classification: Pathogenic for RHIZOMELIC CHONDRODYSPLASIA PUNCTATA, TYPE 2. Last evaluated: 2012-01-01. Review status: no assertion criteria provided. Collection method: literature only. Allele origin: germline. Not counted in ClinVar's aggregate classification.

Literature cited by the submitters: PubMed 11152660 (cited by Labcorp Genetics (formerly Invitae), Labcorp and OMIM); PubMed 21990100 (cited by Labcorp Genetics (formerly Invitae), Labcorp and OMIM); PubMed 17576681 (cited by Labcorp Genetics (formerly Invitae), Labcorp); PubMed 9536098 (cited by Labcorp Genetics (formerly Invitae), Labcorp); PubMed 9843043 (cited by OMIM).